The following is an entry in ClinVar:

ClinVar aggregate classification (germline): Uncertain significance (1 of 4 stars; one submission).

Conditions:
Hereditary cancer-predisposing syndrome. Also called: Neoplastic Syndromes, Hereditary; Tumor predisposition; Hereditary Cancer Syndrome; Hereditary neoplastic syndrome. Identifiers: Orphanet 140162, MedGen C0027672, MeSH D009386, MONDO:0015356.

Submission:

Ambry Genetics
Classification: Uncertain significance for Hereditary cancer-predisposing syndrome. Last evaluated: 2026-06-03. Review status: criteria provided, single submitter. Criteria: Ambry Variant Classification Scheme 2023. Collection method: clinical testing. Allele origin: germline.
Comment: The p.G112W variant (also known as c.334G>T), located in coding exon 4 of the SDHA gene, results from a G to T substitution at nucleotide position 334. The glycine at codon 112 is replaced by tryptophan, an amino acid with highly dissimilar properties. This amino acid position is highly conserved in available vertebrate species. In addition, this alteration is predicted to be deleterious by in silico analysis. Based on the available evidence, the clinical significance of this variant remains unclear.

NM_004168.4(SDHA):c.334G>T (p.Gly112Trp)

Gene: SDHA (succinate dehydrogenase complex flavoprotein subunit A; plus strand). Cytogenetic location: 5p15.33.
Variant type: single nucleotide variant.
Coding change: c.334G>T on transcript NM_004168.4 (MANE Select); coding-DNA position 334, G replaced by T.
Protein change: p.Gly112Trp; replaces glycine 112 with tryptophan.
Molecular consequence: missense variant. On other transcripts: intron variant (1).
Genome position (GRCh38, 1-based): chr5:225,440, G>T. VCF-style: chr5-225440-G-T. GRCh37 (hg19) VCF-style: chr5-225555-G-T.
Other names: c.334G>T, p.Gly112Trp (NM_001330758.2); c.313-443G>T (NM_001294332.2); short protein forms G112W.
Identifiers: ClinVar variation 4546946 (VCV004546946.2).